The following is an entry in ClinVar:

ClinVar aggregate classification (germline): Benign. Review status: criteria provided, multiple submitters, no conflicts (2 of 4 stars). 3 submissions from 3 submitters: Benign (2). 1 of the submissions does not count toward it. Last evaluated 2026-06-24.

Conditions:
Retinoblastoma (RB1). Also called: RETINOBLASTOMA, SOMATIC. Identifiers: Orphanet 790, MedGen C0035335, MeSH D012175, MONDO:0008380, OMIM 180200, HP:0009919. Disease mechanism: loss of function. Inheritance: Both sporadic and heritable forms are tested..
RB1-related disorder. Also called: RB1-related condition.

Allele frequency attached by ClinVar (database versions not stated): gnomAD exomes 0.00018; gnomAD 0.00006.
gnomAD v4.1: 229 of 1,396,818 alleles (0.016%); highest among the groups gnomAD compares: East Asian, 0.62%; no homozygotes.

Submissions (3):

Myriad Genetics, Inc.
Classification: Benign for Retinoblastoma. Last evaluated: 2026-06-24. Review status: criteria provided, single submitter. Criteria: Myriad Autosomal Dominant, Autosomal Recessive and X-Linked Classification Criteria (2023). Collection method: clinical testing. Allele origin: unknown.
Comment: This variant is considered benign. This variant is intronic and is not expected to impact mRNA splicing.

Color Diagnostics, LLC DBA Color Health
Classification: Benign for Retinoblastoma. Last evaluated: 2025-06-30. Review status: criteria provided, single submitter. Criteria: ACMG Guidelines, 2015. Collection method: clinical testing. Allele origin: germline.

PreventionGenetics, part of Exact Sciences
Classification: Likely benign for RB1-related condition. Last evaluated: 2019-11-05. Review status: no assertion criteria provided. Collection method: clinical testing. Allele origin: germline. Not counted in ClinVar's aggregate classification.
Comment: This variant is classified as likely benign based on ACMG/AMP sequence variant interpretation guidelines (Richards et al. 2015 PMID: 25741868, with internal and published modifications).

NM_000321.3(RB1):c.1421+19G>A

Gene: RB1 (RB transcriptional corepressor 1; plus strand). Cytogenetic location: 13q14.2.
Variant type: single nucleotide variant.
Coding change: c.1421+19G>A on transcript NM_000321.3 (MANE Select); 19 bases into the intron after coding-DNA position 1421, G replaced by A.
Molecular consequence: intron variant.
Genome position (GRCh38, 1-based): chr13:48,380,103, G>A. VCF-style: chr13-48380103-G-A. GRCh37 (hg19) VCF-style: chr13-48954239-G-A.
Other names: c.1421+19G>A (NM_001407165.1, NM_001407166.1).
Identifiers: ClinVar variation 3046017 (VCV003046017.4), dbSNP rs1215973386, ClinGen allele CA609577932.